The following is an entry in ClinVar:

NM_002485.5(NBN):c.2107A>G (p.Ile703Val)

Gene: NBN (nibrin; minus strand). Cytogenetic location: 8q21.3.
Variant type: single nucleotide variant.
Coding change: c.2107A>G on transcript NM_002485.5 (MANE Select); coding-DNA position 2107, A replaced by G.
Protein change: p.Ile703Val; replaces isoleucine 703 with valine.
Molecular consequence: missense variant.
Genome position (GRCh38, 1-based): chr8:89,943,330, T>C on the plus strand (A>G on the coding strand, the complement: NBN is on the minus strand). VCF-style: chr8-89943330-T-C. GRCh37 (hg19) VCF-style: chr8-90955558-T-C.
Other names: c.1861A>G, p.Ile621Val (NM_001024688.3); c.2107A>G (NM_002485.4); short protein forms I621V, I703V.
Identifiers: ClinVar variation 1410814 (VCV001410814.7), dbSNP rs942302974, ClinGen allele CA181273319.

ClinVar aggregate classification (germline): Uncertain significance. Review status: criteria provided, multiple submitters, no conflicts (2 of 4 stars). 2 submissions from 2 submitters: Uncertain significance (2). Last evaluated 2024-12-08.

Conditions:
Hereditary cancer-predisposing syndrome. Also called: Hereditary neoplastic syndrome; Neoplastic Syndromes, Hereditary; Hereditary Cancer Syndrome; Tumor predisposition. Identifiers: Orphanet 140162, MedGen C0027672, MeSH D009386, MONDO:0015356.
Microcephaly, normal intelligence and immunodeficiency (NBS). Also called: Nijmegen breakage syndrome; Microcephaly with normal intelligence immunodeficiency and lymphoreticular malignancies; Nonsyndromal microcephaly autosomal recessive with normal intelligence; Seemanova syndrome 2; SEEMANOVA SYNDROME II; IMMUNODEFICIENCY, MICROCEPHALY, AND CHROMOSOMAL INSTABILITY. Identifiers: Orphanet 647, MedGen C0398791, MONDO:0009623, OMIM 251260.

Allele frequency attached by ClinVar (database versions not stated): gnomAD exomes below 0.00001.
gnomAD v4.1: 1 of 1,611,128 alleles (0.000062%); highest among the groups gnomAD compares: African/African-American, 0.0013%; no homozygotes.

Submissions (2):

Ambry Genetics
Classification: Uncertain significance for Hereditary cancer-predisposing syndrome. Last evaluated: 2024-12-08. Review status: criteria provided, single submitter. Criteria: Ambry Variant Classification Scheme 2023. Collection method: clinical testing. Allele origin: germline.
Comment: The p.I703V variant (also known as c.2107A>G), located in coding exon 14 of the NBN gene, results from an A to G substitution at nucleotide position 2107. The isoleucine at codon 703 is replaced by valine, an amino acid with highly similar properties. This amino acid position is conserved. In addition, the in silico prediction for this alteration is inconclusive. Based on the available evidence, the clinical significance of this variant remains unclear.

Labcorp Genetics (formerly Invitae), Labcorp
Classification: Uncertain significance for Microcephaly, normal intelligence and immunodeficiency. Last evaluated: 2022-07-29. Review status: criteria provided, single submitter. Criteria: Invitae Variant Classification Sherloc (09022015). Collection method: clinical testing. Allele origin: germline.
Comment: ClinVar contains an entry for this variant (Variation ID: 1410814). This sequence change replaces isoleucine, which is neutral and non-polar, with valine, which is neutral and non-polar, at codon 703 of the NBN protein (p.Ile703Val). This variant is not present in population databases (gnomAD no frequency). This variant has not been reported in the literature in individuals affected with NBN-related conditions. Algorithms developed to predict the effect of missense changes on protein structure and function are either unavailable or do not agree on the potential impact of this missense change (SIFT: "Tolerated"; PolyPhen-2: "Probably Damaging"; Align-GVGD: "Class C0"). In summary, the available evidence is currently insufficient to determine the role of this variant in disease. Therefore, it has been classified as a Variant of Uncertain Significance.